The following is an entry in ClinVar:

NM_001289125.3(IFNAR2):c.1200T>A (p.Ser400Arg)

Genes: IFNAR2-IL10RB (IFNAR2-IL10RB readthrough; plus strand), IFNAR2 (interferon alpha and beta receptor subunit 2; plus strand). Cytogenetic location: 21q22.11.
Variant type: single nucleotide variant.
Coding change: c.1200T>A on transcript NM_001289125.3 (MANE Select); coding-DNA position 1200, T replaced by A.
Protein change: p.Ser400Arg; replaces serine 400 with arginine.
Molecular consequence: missense variant. On other transcripts: 3 prime UTR variant (5), intron variant (1).
Genome position (GRCh38, 1-based): chr21:33,263,152, T>A. VCF-style: chr21-33263152-T-A. GRCh37 (hg19) VCF-style: chr21-34635457-T-A.
Other names: c.*436T>A (NM_000874.5, NM_207584.3); c.*349T>A (NM_001289126.2, NM_001289128.2); c.*575T>A (NM_001385054.1); c.1200T>A, p.Ser400Arg (NM_001385055.1, NM_207585.3); c.710-5242T>A (NM_001414505.1); short protein forms S400R.
Identifiers: ClinVar variation 4858414 (VCV004858414.1).
Genomic context (GRCh38, chr21:33,263,152, plus strand): 5'-GCCAAAGGACAGCCCTCAGCAGTTGGAACTCTTGAGTGGGCCCTGTGAGAGGAGAAAGAG[T>A]CCACTCCAGGACCCTTTTCCCGAAGAGGACTACAGCTCCACGGAGGGGTCTGGGGGCAGA-3'
Protein context (NP_001276054.1, residues 390-410): LLSGPCERRK[Ser400Arg]PLQDPFPEED

ClinVar aggregate classification (germline): Uncertain significance (1 of 4 stars; one submission).

gnomAD v4.1: 2 of 1,613,708 alleles (0.00012%); highest among the groups gnomAD compares: African/African-American, 0.0027%; no homozygotes.

Submission:

Ambry Genetics
Classification: Uncertain significance. Last evaluated: 2026-03-19. Review status: criteria provided, single submitter. Criteria: Ambry Variant Classification Scheme 2023. Collection method: clinical testing. Allele origin: germline.
Comment: The c.1200T>A (p.S400R) alteration is located in exon 9 (coding exon 8) of the IFNAR2 gene. This alteration results from a T to A substitution at nucleotide position 1200, causing the serine (S) at amino acid position 400 to be replaced by an arginine (R). Based on data from gnomAD, the A allele has an overall frequency of 0.001% (2/251464) total alleles studied. The highest observed frequency was 0.012% (2/16256) of African alleles. Based on insufficient or conflicting evidence, the clinical significance of this alteration remains unclear.